The following is an entry in ClinVar:

NM_000059.4(BRCA2):c.1578T>C (p.Asp526=)

Gene: BRCA2 (BRCA2 DNA repair associated; plus strand). Cytogenetic location: 13q13.1.
Variant type: single nucleotide variant.
Coding change: c.1578T>C on transcript NM_000059.4 (MANE Select); coding-DNA position 1578, T replaced by C.
Protein change: p.Asp526=; no amino-acid change (aspartic acid 526 retained).
Molecular consequence: synonymous variant.
Genome position (GRCh38, 1-based): chr13:32,333,056, T>C. VCF-style: chr13-32333056-T-C. GRCh37 (hg19) VCF-style: chr13-32907193-T-C.
Identifiers: ClinVar variation 415702 (VCV000415702.15), dbSNP rs752309823, ClinGen allele CA6940527.

ClinVar aggregate classification (germline): Likely benign. Review status: reviewed by expert panel (3 of 4 stars). 4 submissions from 4 submitters: Likely benign (1). 3 of the submissions do not count toward it. Last evaluated 2017-06-29.

Conditions:
Hereditary cancer-predisposing syndrome. Also called: Tumor predisposition; Neoplastic Syndromes, Hereditary; Hereditary Cancer Syndrome; Hereditary neoplastic syndrome. Identifiers: Orphanet 140162, MedGen C0027672, MeSH D009386, MONDO:0015356.
Hereditary breast ovarian cancer syndrome. Also called: Hereditary breast and ovarian cancer; Hereditary breast and ovarian cancer syndrome (HBOC); Hereditary breast and/or ovarian cancer syndrome; Breast and ovarian cancer; Hereditary breast and ovarian cancer syndrome; BRCA1- and BRCA2-Associated Hereditary Breast and Ovarian Cancer. Identifiers: Orphanet 145, MedGen C0677776, MeSH D061325, MONDO:0003582. Disease mechanism: loss of function.
Breast-ovarian cancer, familial, susceptibility to, 2 (BROVCA2). Also called: BRCA2 Hereditary Breast and Ovarian Cancer. Identifiers: Orphanet 145, MedGen C2675520, MONDO:0012933, OMIM 612555. Disease mechanism: loss of function.

Allele frequency attached by ClinVar (database versions not stated): gnomAD 0.00001; gnomAD exomes 0.00001 and 0.00004; ExAC 0.00004.
gnomAD v4.1: 18 of 1,609,812 alleles (0.0011%); highest among the groups gnomAD compares: Non-Finnish European, 0.000085%; no homozygotes.

Submissions (4):

Evidence-based Network for the Interpretation of Germline Mutant Alleles (ENIGMA)
Classification: Likely benign for Breast-ovarian cancer, familial, susceptibility to, 2. Last evaluated: 2017-06-29. Review status: reviewed by expert panel. Criteria: ENIGMA BRCA1/2 Classification Criteria (2017-06-29). Collection method: curation. Allele origin: germline.
Comment: Synonymous substitution variant, with low bioinformatic likelihood to result in a splicing aberration (Splicing prior probability 0.02).

Labcorp Genetics (formerly Invitae), Labcorp
Classification: Likely benign for Hereditary breast ovarian cancer syndrome. Last evaluated: 2023-09-03. Review status: criteria provided, single submitter. Criteria: Invitae Variant Classification Sherloc (09022015). Collection method: clinical testing. Allele origin: germline. Not counted in ClinVar's aggregate classification.

Ambry Genetics
Classification: Likely benign for Hereditary cancer-predisposing syndrome. Last evaluated: 2023-09-01. Review status: criteria provided, single submitter. Criteria: Ambry Variant Classification Scheme 2023. Collection method: clinical testing. Allele origin: germline. Not counted in ClinVar's aggregate classification.

Quest Diagnostics Nichols Institute San Juan Capistrano
Classification: Likely benign. Last evaluated: 2020-12-16. Review status: criteria provided, single submitter. Criteria: Quest Diagnostics criteria. Collection method: clinical testing. Allele origin: unknown. Not counted in ClinVar's aggregate classification.